The following is an entry in ClinVar:

ClinVar aggregate classification (germline): Uncertain significance (1 of 4 stars; one submission).

Allele frequency attached by ClinVar (database versions not stated): TOPMed below 0.00001; gnomAD 0.00001; gnomAD exomes 0.00002; ExAC 0.00003.
gnomAD v4.1: 10 of 1,613,854 alleles (0.00062%); highest among the groups gnomAD compares: South Asian, 0.0044%; no homozygotes.

Submission:

Labcorp Genetics (formerly Invitae), Labcorp
Classification: Uncertain significance. Last evaluated: 2024-10-22. Review status: criteria provided, single submitter. Criteria: Invitae Variant Classification Sherloc (09022015). Collection method: clinical testing. Allele origin: germline.
Comment: This sequence change replaces aspartic acid, which is acidic and polar, with glycine, which is neutral and non-polar, at codon 891 of the COL4A2 protein (p.Asp891Gly). This variant is present in population databases (rs769402563, gnomAD 0.005%). This variant has not been reported in the literature in individuals affected with COL4A2-related conditions. ClinVar contains an entry for this variant (Variation ID: 1930891). Invitae Evidence Modeling of protein sequence and biophysical properties (such as structural, functional, and spatial information, amino acid conservation, physicochemical variation, residue mobility, and thermodynamic stability) indicates that this missense variant is not expected to disrupt COL4A2 protein function with a negative predictive value of 95%. In summary, the available evidence is currently insufficient to determine the role of this variant in disease. Therefore, it has been classified as a Variant of Uncertain Significance.

NM_001846.4(COL4A2):c.2672A>G (p.Asp891Gly)

Gene: COL4A2 (collagen type IV alpha 2 chain; plus strand). Cytogenetic location: 13q34.
Variant type: single nucleotide variant.
Coding change: c.2672A>G on transcript NM_001846.4 (MANE Select); coding-DNA position 2672, A replaced by G.
Protein change: p.Asp891Gly; replaces aspartic acid 891 with glycine.
Molecular consequence: missense variant.
Genome position (GRCh38, 1-based): chr13:110,480,304, A>G. VCF-style: chr13-110480304-A-G. GRCh37 (hg19) VCF-style: chr13-111132651-A-G.
Other names: short protein forms D891G.
Identifiers: ClinVar variation 1930891 (VCV001930891.5), dbSNP rs769402563, ClinGen allele CA7049972.